The following is an entry in ClinVar:

NM_000234.3(LIG1):c.703C>T (p.Arg235Trp)

Gene: LIG1 (DNA ligase 1; minus strand). Cytogenetic location: 19q13.33.
Variant type: single nucleotide variant.
Coding change: c.703C>T on transcript NM_000234.3 (MANE Select); coding-DNA position 703, C replaced by T.
Protein change: p.Arg235Trp; replaces arginine 235 with tryptophan.
Molecular consequence: missense variant. On other transcripts: non-coding transcript variant (6).
Genome position (GRCh38, 1-based): chr19:48,149,836, G>A on the plus strand (C>T on the coding strand, the complement: LIG1 is on the minus strand). VCF-style: chr19-48149836-G-A. GRCh37 (hg19) VCF-style: chr19-48653093-G-A.
Other names: c.703C>T (NM_000234.2); c.610C>T, p.Arg204Trp (NM_001289063.2); c.499C>T, p.Arg167Trp (NM_001289064.2); c.700C>T, p.Arg234Trp (NM_001320970.2); c.613C>T, p.Arg205Trp (NM_001320971.2); short protein forms R167W, R204W, R205W, R234W, R235W.
Identifiers: ClinVar variation 1645712 (VCV001645712.14), dbSNP rs55686525, ClinGen allele CA9547152.

ClinVar aggregate classification (germline): Likely benign. Review status: criteria provided, multiple submitters, no conflicts (2 of 4 stars). 3 submissions from 3 submitters: Likely benign (2). 1 of the submissions does not count toward it. Last evaluated 2026-03-01.

Conditions:
LIG1-related disorder. Also called: LIG1-related condition.

Allele frequency attached by ClinVar (database versions not stated): gnomAD 0.00021 and 0.00028; TOPMed 0.00028; ExAC 0.00031; 1000 Genomes Project 30x 0.00094; 1000 Genomes Project 0.00100.
gnomAD v4.1: 302 of 1,613,324 alleles (0.019%); highest among the groups gnomAD compares: East Asian, 0.32%; 2 homozygotes.

Submissions (3):

CeGaT Center for Human Genetics Tuebingen
Classification: Likely benign. Last evaluated: 2026-03-01. Review status: criteria provided, single submitter. Criteria: CeGaT Center For Human Genetics Tuebingen Variant Classification Criteria Version 2. Collection method: clinical testing. Allele origin: germline. Affected: yes. Observed: 1 variant allele.
Comment: LIG1: BP4

Labcorp Genetics (formerly Invitae), Labcorp
Classification: Likely benign. Last evaluated: 2025-12-23. Review status: criteria provided, single submitter. Criteria: Invitae Variant Classification Sherloc (09022015). Collection method: clinical testing. Allele origin: germline.

PreventionGenetics, part of Exact Sciences
Classification: Likely benign for LIG1-related condition. Last evaluated: 2022-03-16. Review status: no assertion criteria provided. Collection method: clinical testing. Allele origin: germline. Not counted in ClinVar's aggregate classification.
Comment: This variant is classified as likely benign based on ACMG/AMP sequence variant interpretation guidelines (Richards et al. 2015 PMID: 25741868, with internal and published modifications).